The following is an entry in ClinVar:

NM_006231.4(POLE):c.5363G>A (p.Cys1788Tyr)

Gene: POLE (DNA polymerase epsilon, catalytic subunit; minus strand). Cytogenetic location: 12q24.33.
Variant type: single nucleotide variant.
Coding change: c.5363G>A on transcript NM_006231.4 (MANE Select); coding-DNA position 5363, G replaced by A.
Protein change: p.Cys1788Tyr; replaces cysteine 1788 with tyrosine.
Molecular consequence: missense variant.
Genome position (GRCh38, 1-based): chr12:132,641,662, C>T on the plus strand (G>A on the coding strand, the complement: POLE is on the minus strand). VCF-style: chr12-132641662-C-T. GRCh37 (hg19) VCF-style: chr12-133218248-C-T.
Other names: short protein forms C1788Y.
Identifiers: ClinVar variation 577124 (VCV000577124.13), dbSNP rs1565935614, ClinGen allele CA387375723.

ClinVar aggregate classification (germline): Uncertain significance. Review status: criteria provided, multiple submitters, no conflicts (2 of 4 stars). 3 submissions from 3 submitters: Uncertain significance (3). Last evaluated 2026-01-04.

Conditions:
Hereditary cancer-predisposing syndrome. Also called: Tumor predisposition; Hereditary neoplastic syndrome; Hereditary Cancer Syndrome; Neoplastic Syndromes, Hereditary. Identifiers: Orphanet 140162, MedGen C0027672, MeSH D009386, MONDO:0015356.

Submissions (3):

Labcorp Genetics (formerly Invitae), Labcorp
Classification: Uncertain significance. Last evaluated: 2026-01-04. Review status: criteria provided, single submitter. Criteria: Invitae Variant Classification Sherloc (09022015). Collection method: clinical testing. Allele origin: germline.
Comment: This sequence change replaces cysteine, which is neutral and slightly polar, with tyrosine, which is neutral and polar, at codon 1788 of the POLE protein (p.Cys1788Tyr). This variant is not present in population databases (gnomAD no frequency). This variant has not been reported in the literature in individuals affected with POLE-related conditions. ClinVar contains an entry for this variant (Variation ID: 577124). Invitae Evidence Modeling of protein sequence and biophysical properties (such as structural, functional, and spatial information, amino acid conservation, physicochemical variation, residue mobility, and thermodynamic stability) has been performed for this missense variant. However, the output from this modeling did not meet the statistical confidence thresholds required to predict the impact of this variant on POLE protein function. In summary, the available evidence is currently insufficient to determine the role of this variant in disease. Therefore, it has been classified as a Variant of Uncertain Significance.

Ambry Genetics
Classification: Uncertain significance for Hereditary cancer-predisposing syndrome. Last evaluated: 2025-05-14. Review status: criteria provided, single submitter. Criteria: Ambry Variant Classification Scheme 2023. Collection method: clinical testing. Allele origin: germline.
Comment: The p.C1788Y variant (also known as c.5363G>A), located in coding exon 39 of the POLE gene, results from a G to A substitution at nucleotide position 5363. The cysteine at codon 1788 is replaced by tyrosine, an amino acid with highly dissimilar properties. This amino acid position is conserved. In addition, the in silico prediction for this alteration is inconclusive. Based on the available evidence, the clinical significance of this variant remains unclear.

GeneDx
Classification: Uncertain significance. Last evaluated: 2023-01-08. Review status: criteria provided, single submitter. Criteria: GeneDx Variant Classification Process June 2021. Collection method: clinical testing. Allele origin: germline. Affected: yes.
Comment: Not observed at significant frequency in large population cohorts (gnomAD); In silico analysis supports that this missense variant has a deleterious effect on protein structure/function; Has not been previously published as pathogenic or benign to our knowledge